The following is an entry in ClinVar:

ClinVar aggregate classification (germline): Uncertain significance (1 of 4 stars; one submission).

Conditions:
Emery-Dreifuss muscular dystrophy 5, autosomal dominant (EDMD5). Also called: EMERY-DREIFUSS MUSCULAR DYSTROPHY 5. Identifiers: Orphanet 261, MedGen C2751805, MONDO:0013072, OMIM 612999.

Submission:

Labcorp Genetics (formerly Invitae), Labcorp
Classification: Uncertain significance for Emery-Dreifuss muscular dystrophy 5, autosomal dominant. Last evaluated: 2021-01-20. Review status: criteria provided, single submitter. Criteria: Invitae Variant Classification Sherloc (09022015). Collection method: clinical testing. Allele origin: germline.
Comment: In summary, the available evidence is currently insufficient to determine the role of this variant in disease. Therefore, it has been classified as a Variant of Uncertain Significance. Algorithms developed to predict the effect of missense changes on protein structure and function are either unavailable or do not agree on the potential impact of this missense change (SIFT: "Tolerated"; PolyPhen-2: "Probably Damaging"; Align-GVGD: "Class C0"). This variant has not been reported in the literature in individuals with SYNE2-related conditions. This variant is not present in population databases (ExAC no frequency). This sequence change replaces leucine with phenylalanine at codon 2833 of the SYNE2 protein (p.Leu2833Phe). The leucine residue is weakly conserved and there is a small physicochemical difference between leucine and phenylalanine.

NM_182914.3(SYNE2):c.8499G>T (p.Leu2833Phe)

Gene: SYNE2 (spectrin repeat containing nuclear envelope protein 2; plus strand). Cytogenetic location: 14q23.2.
Variant type: single nucleotide variant.
Coding change: c.8499G>T on transcript NM_182914.3 (MANE Select); coding-DNA position 8499, G replaced by T.
Protein change: p.Leu2833Phe; replaces leucine 2833 with phenylalanine.
Molecular consequence: missense variant.
Genome position (GRCh38, 1-based): chr14:64,052,412, G>T. VCF-style: chr14-64052412-G-T. GRCh37 (hg19) VCF-style: chr14-64519130-G-T.
Other names: c.8499G>T, p.Leu2833Phe (NM_015180.6); short protein forms L2833F.
Identifiers: ClinVar variation 1478935 (VCV001478935.8), dbSNP rs2153576700, ClinGen allele CA389967596.